The following is an entry in ClinVar:

ClinVar aggregate classification (germline): Uncertain significance (1 of 4 stars; one submission).

Conditions:
Inborn genetic diseases. Identifiers: MedGen C0950123, MeSH D030342.

Submission:

Ambry Genetics
Classification: Uncertain significance for Inborn genetic diseases. Last evaluated: 2026-07-11. Review status: criteria provided, single submitter. Criteria: Ambry Variant Classification Scheme 2023. Collection method: clinical testing. Allele origin: germline.
Comment: The p.P755R variant (also known as c.2264C>G), located in coding exon 12 of the BMPR2 gene, results from a C to G substitution at nucleotide position 2264. The proline at codon 755 is replaced by arginine, an amino acid with dissimilar properties. This amino acid position is conserved. In addition, this alteration is predicted to be deleterious by in silico analysis. Based on the available evidence, the clinical significance of this variant remains unclear.

NM_001204.7(BMPR2):c.2264C>G (p.Pro755Arg)

Gene: BMPR2 (bone morphogenetic protein receptor type 2; plus strand). Cytogenetic location: 2q33.2.
Variant type: single nucleotide variant.
Coding change: c.2264C>G on transcript NM_001204.7 (MANE Select); coding-DNA position 2264, C replaced by G.
Protein change: p.Pro755Arg; replaces proline 755 with arginine.
Molecular consequence: missense variant.
Genome position (GRCh38, 1-based): chr2:202,555,929, C>G. VCF-style: chr2-202555929-C-G. GRCh37 (hg19) VCF-style: chr2-203420652-C-G.
Other names: short protein forms P755R.
Identifiers: ClinVar variation 5033088 (VCV005033088.1).